The following is an entry in ClinVar:

NM_181523.3(PIK3R1):c.698C>T (p.Pro233Leu)

Gene: PIK3R1 (phosphoinositide-3-kinase regulatory subunit 1; plus strand). Cytogenetic location: 5q13.1.
Variant type: single nucleotide variant.
Coding change: c.698C>T on transcript NM_181523.3 (MANE Select); coding-DNA position 698, C replaced by T.
Protein change: p.Pro233Leu; replaces proline 233 with leucine.
Molecular consequence: missense variant.
Genome position (GRCh38, 1-based): chr5:68,280,591, C>T. VCF-style: chr5-68280591-C-T. GRCh37 (hg19) VCF-style: chr5-67576419-C-T.
Other names: short protein forms P233L.
Identifiers: ClinVar variation 3749021 (VCV003749021.2).

ClinVar aggregate classification (germline): Uncertain significance (1 of 4 stars; one submission).

Conditions:
Agammaglobulinemia 7, autosomal recessive (AGM7). Also called: AGAMMAGLOBULINEMIA, AUTOSOMAL RECESSIVE, DUE TO PIK3R1 DEFECT. Identifiers: MedGen C3554689, MONDO:0014083, OMIM 615214.
Immunodeficiency 36 with lymphoproliferation. Also called: Immunodeficiency 36; ACTIVATED PI3K-DELTA SYNDROME 2; Activated PI3K Delta Syndrome Type 2 (APDS2). Identifiers: Orphanet 397596, Orphanet 693681, MedGen C4014934, MONDO:0014453, OMIM 616005.
SHORT syndrome. Also called: SHORT STATURE, HYPEREXTENSIBILITY, HERNIA, OCULAR DEPRESSION, RIEGER ANOMALY, AND TEETHING DELAY; LIPODYSTROPHY, PARTIAL, WITH RIEGER ANOMALY AND SHORT STATURE; PIK3R1-Related SHORT Syndrome. Identifiers: Orphanet 3163, MedGen C0878684, MONDO:0010026, OMIM 269880.

gnomAD v4.1: 5 of 1,612,888 alleles (0.00031%); highest among the groups gnomAD compares: Non-Finnish European, 0.00025%; no homozygotes.

Submission:

Labcorp Genetics (formerly Invitae), Labcorp
Classification: Uncertain significance for SHORT syndrome; Immunodeficiency 36 with lymphoproliferation; Agammaglobulinemia 7, autosomal recessive. Last evaluated: 2025-06-17. Review status: criteria provided, single submitter. Criteria: Invitae Variant Classification Sherloc (09022015). Collection method: clinical testing. Allele origin: germline.
Comment: This sequence change replaces proline, which is neutral and non-polar, with leucine, which is neutral and non-polar, at codon 233 of the PIK3R1 protein (p.Pro233Leu). This variant is not present in population databases (gnomAD no frequency). This variant has not been reported in the literature in individuals affected with PIK3R1-related conditions. ClinVar contains an entry for this variant (Variation ID: 3749021). An algorithm developed to predict the effect of missense changes on protein structure and function (PolyPhen-2) suggests that this variant is likely to be disruptive. In summary, the available evidence is currently insufficient to determine the role of this variant in disease. Therefore, it has been classified as a Variant of Uncertain Significance.